The following is an entry in ClinVar:

NM_001845.6(COL4A1):c.3698G>A (p.Gly1233Glu)

Gene: COL4A1 (collagen type IV alpha 1 chain; minus strand). Cytogenetic location: 13q34.
Variant type: single nucleotide variant.
Coding change: c.3698G>A on transcript NM_001845.6 (MANE Select); coding-DNA position 3698, G replaced by A.
Protein change: p.Gly1233Glu; replaces glycine 1233 with glutamic acid.
Molecular consequence: missense variant.
Genome position (GRCh38, 1-based): chr13:110,170,591, C>T on the plus strand (G>A on the coding strand, the complement: COL4A1 is on the minus strand). VCF-style: chr13-110170591-C-T. GRCh37 (hg19) VCF-style: chr13-110822938-C-T.
Other names: c.3698G>A (NM_001845.4); short protein forms G1233E.
Identifiers: ClinVar variation 1474956 (VCV001474956.10), dbSNP rs1348341976, ClinGen allele CA388662370.

ClinVar aggregate classification (germline): Conflicting classifications of pathogenicity. Review status: criteria provided, conflicting classifications (1 of 4 stars). 3 submissions from 3 submitters: Likely pathogenic (2); Uncertain significance (1). Last evaluated 2024-06-25.

Conditions:
Brain small vessel disease 1 with or without ocular anomalies (BSVD1). Also called: PORENCEPHALY, TYPE 1, AUTOSOMAL DOMINANT; GOULD SYNDROME 1; BRAIN SMALL VESSEL DISEASE WITH HEMORRHAGE; Brain small vessel disease with or without ocular anomalies. Identifiers: Orphanet 2940, Orphanet 36383, Orphanet 99810, MedGen C4755307, MONDO:0008289, OMIM 175780.

Submissions (3):

GeneDx
Classification: Likely pathogenic. Last evaluated: 2024-06-25. Review status: criteria provided, single submitter. Criteria: GeneDx Variant Classification Process June 2021. Collection method: clinical testing. Allele origin: germline. Affected: yes.
Comment: Identified in a patient with pediatric epilepsy, chronic migraines, exertional weakness, sensory disturbance, and white matter signal abnormalities on brain MRI; the patient's daughter had autism, seizures, and similar brain findings (PMID: 38074064); Not observed at significant frequency in large population cohorts (gnomAD); In silico analysis supports that this missense variant has a deleterious effect on protein structure/function; This variant is associated with the following publications: (PMID: 38074064)

Labcorp Genetics (formerly Invitae), Labcorp
Classification: Uncertain significance. Last evaluated: 2023-10-04. Review status: criteria provided, single submitter. Criteria: Invitae Variant Classification Sherloc (09022015). Collection method: clinical testing. Allele origin: germline.
Comment: This sequence change replaces glycine, which is neutral and non-polar, with glutamic acid, which is acidic and polar, at codon 1233 of the COL4A1 protein (p.Gly1233Glu). This variant is not present in population databases (gnomAD no frequency). This variant has not been reported in the literature in individuals affected with COL4A1-related conditions. ClinVar contains an entry for this variant (Variation ID: 1474956). An algorithm developed to predict the effect of missense changes on protein structure and function (PolyPhen-2) suggests that this variant is likely to be disruptive. In summary, the available evidence is currently insufficient to determine the role of this variant in disease. Therefore, it has been classified as a Variant of Uncertain Significance.

Institute of Human Genetics, University of Leipzig Medical Center
Classification: Likely pathogenic for Brain small vessel disease 1 with or without ocular anomalies. Last evaluated: 2022-08-23. Review status: criteria provided, single submitter. Criteria: ACMG Guidelines, 2015. Collection method: clinical testing. Allele origin: maternal. Inheritance: Autosomal dominant inheritance. Affected: yes.